The following is an entry in ClinVar:

NM_001244008.2(KIF1A):c.4851C>T (p.Tyr1617=)

Gene: KIF1A (kinesin family member 1A; minus strand). Cytogenetic location: 2q37.3.
Variant type: single nucleotide variant.
Coding change: c.4851C>T on transcript NM_001244008.2 (MANE Select); coding-DNA position 4851, C replaced by T.
Protein change: p.Tyr1617=; no amino-acid change (tyrosine 1617 retained).
Molecular consequence: synonymous variant.
Genome position (GRCh38, 1-based): chr2:240,720,931, G>A on the plus strand (C>T on the coding strand, the complement: KIF1A is on the minus strand). VCF-style: chr2-240720931-G-A. GRCh37 (hg19) VCF-style: chr2-241660348-G-A.
Other names: c.4851C>T (NM_001244008.1); c.4575C>T, p.Tyr1525= (NM_001320705.2, NM_001379649.1); c.4602C>T, p.Tyr1534= (NM_001330289.2); c.4650C>T, p.Tyr1550= (NM_001330290.2, NM_001379648.1); c.4926C>T, p.Tyr1642= (NM_001379631.1); c.4827C>T, p.Tyr1609= (NM_001379632.1); c.4824C>T, p.Tyr1608= (NM_001379633.1, NM_001379645.1); c.4677C>T, p.Tyr1559= (NM_001379634.1); and 8 more.
Identifiers: ClinVar variation 335257 (VCV000335257.61), dbSNP rs202049905, ClinGen allele CA2207283.

ClinVar aggregate classification (germline): Conflicting classifications of pathogenicity. Review status: criteria provided, conflicting classifications (1 of 4 stars). 9 submissions from 9 submitters: Uncertain significance (2); Likely benign (7). Last evaluated 2026-02-07.

Conditions:
Inborn genetic diseases. Identifiers: MedGen C0950123, MeSH D030342.
Hereditary spastic paraplegia. Also called: Familial spastic paraparesis. Identifiers: Orphanet 685, MedGen C0037773, MONDO:0019064. Disease mechanism: loss of function.
Hereditary spastic paraplegia 30. Identifiers: Orphanet 101010, MedGen C5235139, MONDO:0012476.
KIF1A-related disorder. Also called: KIF1A-related disorders; KIF1A-related condition.
Neuropathy, hereditary sensory, type 2C. Also called: KIF1A-Related HSAN2 (HSAN2C); Hereditary sensory and autonomic neuropathy type IIC. Identifiers: Orphanet 970, MedGen C3280168, MONDO:0013634, OMIM 614213.
Intellectual disability, autosomal dominant 9 (NESCAVS). Also called: NESCAV SYNDROME; KIF1A-Related Neurodevelopmental Disorder. Identifiers: Orphanet 662367, MedGen C5393830, MONDO:0013656, OMIM 614255.

Allele frequency attached by ClinVar (database versions not stated): TOPMed 0.00020; gnomAD exomes 0.00021 and 0.00040; gnomAD 0.00023 and 0.00027; ExAC 0.00065; 1000 Genomes Project 30x 0.00078; 1000 Genomes Project 0.00080.
gnomAD v4.1: 353 of 1,581,504 alleles (0.022%); highest among the groups gnomAD compares: South Asian, 0.094%; no homozygotes.

Submissions (9):

PreventionGenetics, part of Exact Sciences
Classification: Likely benign for KIF1A-related condition. Last evaluated: 2026-02-07. Review status: criteria provided, single submitter. Criteria: ACMG Guidelines, 2015. Collection method: clinical testing. Allele origin: germline.
Comment: This variant is classified as likely benign based on ACMG/AMP sequence variant interpretation guidelines (Richards et al. 2015 PMID: 25741868, with internal and published modifications).

Labcorp Genetics (formerly Invitae), Labcorp
Classification: Likely benign for Hereditary spastic paraplegia 30; Neuropathy, hereditary sensory, type 2C; Intellectual disability, autosomal dominant 9. Last evaluated: 2025-12-29. Review status: criteria provided, single submitter. Criteria: Invitae Variant Classification Sherloc (09022015). Collection method: clinical testing. Allele origin: germline.

Women's Health and Genetics/Laboratory Corporation of America, LabCorp
Classification: Likely benign. Last evaluated: 2025-12-09. Review status: criteria provided, single submitter. Criteria: LabCorp Variant Classification Summary - May 2015. Collection method: clinical testing. Allele origin: germline.

Blueprint Genetics
Classification: Likely benign. Last evaluated: 2024-11-15. Review status: criteria provided, single submitter. Criteria: ACMG Guidelines, 2015. Collection method: clinical testing. Allele origin: germline.

GeneDx
Classification: Likely benign. Last evaluated: 2022-08-23. Review status: criteria provided, single submitter. Criteria: GeneDx Variant Classification Process June 2021. Collection method: clinical testing. Allele origin: germline. Affected: yes.
Comment: See Variant Classification Assertion Criteria.

CeGaT Center for Human Genetics Tuebingen
Classification: Likely benign. Last evaluated: 2021-06-01. Review status: criteria provided, single submitter. Criteria: CeGaT Center For Human Genetics Tuebingen Variant Classification Criteria Version 2. Collection method: clinical testing. Allele origin: germline. Affected: yes. Observed: 1 variant allele.

Genome Diagnostics Laboratory, The Hospital for Sick Children
Classification: Uncertain significance for Hereditary spastic paraplegia. Last evaluated: 2018-11-01. Review status: criteria provided, single submitter. Criteria: ACMG Guidelines, 2015. Collection method: clinical testing. Allele origin: germline. Affected: yes.

Illumina Laboratory Services, Illumina
Classification: Uncertain significance for Spastic paraplegia 30A, autosomal dominant. Last evaluated: 2018-01-13. Review status: criteria provided, single submitter. Criteria: ICSL Variant Classification Criteria 13 December 2019. Collection method: clinical testing. Allele origin: germline.

Ambry Genetics
Classification: Likely benign for Inborn genetic diseases. Last evaluated: 2017-04-14. Review status: criteria provided, single submitter. Criteria: Ambry Variant Classification Scheme 2023. Collection method: clinical testing. Allele origin: germline.